The following is an entry in ClinVar:

ClinVar aggregate classification (germline): Uncertain significance (1 of 4 stars; one submission).

Submission:

Labcorp Genetics (formerly Invitae), Labcorp
Classification: Uncertain significance. Last evaluated: 2022-06-04. Review status: criteria provided, single submitter. Criteria: Invitae Variant Classification Sherloc (09022015). Collection method: clinical testing. Allele origin: germline.
Comment: This variant has not been reported in the literature in individuals affected with SAMD9L-related conditions. This variant is not present in population databases (gnomAD no frequency). In summary, the available evidence is currently insufficient to determine the role of this variant in disease. Therefore, it has been classified as a Variant of Uncertain Significance. Algorithms developed to predict the effect of missense changes on protein structure and function are either unavailable or do not agree on the potential impact of this missense change (SIFT: "Not Available"; PolyPhen-2: "Probably Damaging"; Align-GVGD: "Not Available"). This sequence change replaces phenylalanine, which is neutral and non-polar, with tyrosine, which is neutral and polar, at codon 224 of the SAMD9L protein (p.Phe224Tyr).

NM_152703.5(SAMD9L):c.671T>A (p.Phe224Tyr)

Gene: SAMD9L (sterile alpha motif domain containing 9 like; minus strand). Cytogenetic location: 7q21.2.
Variant type: single nucleotide variant.
Coding change: c.671T>A on transcript NM_152703.5 (MANE Select); coding-DNA position 671, T replaced by A.
Protein change: p.Phe224Tyr; replaces phenylalanine 224 with tyrosine.
Molecular consequence: missense variant.
Genome position (GRCh38, 1-based): chr7:93,135,301, A>T on the plus strand (T>A on the coding strand, the complement: SAMD9L is on the minus strand). VCF-style: chr7-93135301-A-T. GRCh37 (hg19) VCF-style: chr7-92764614-A-T.
Other names: c.671T>A, p.Phe224Tyr (NM_001303496.3, NM_001303497.3, NM_001303498.3 and 5 more transcripts); short protein forms F224Y.
Identifiers: ClinVar variation 2002425 (VCV002002425.4), dbSNP rs2535435665, ClinGen allele CA368201705.